The following is an entry in ClinVar:

ClinVar aggregate classification (germline): Uncertain significance (1 of 4 stars; one submission).

Conditions:
Retinitis pigmentosa 12 (RP12). Also called: RP WITH OR WITHOUT PRESERVED PARAARTERIOLE RETINAL PIGMENT EPITHELIUM; RETINITIS PIGMENTOSA WITH OR WITHOUT PARAARTERIOLAR PRESERVATION OF RETINAL PIGMENT EPITHELIUM; RP WITH OR WITHOUT PPRPE. Identifiers: Orphanet 791, MedGen C1838647, MONDO:0010818, OMIM 600105.
Leber congenital amaurosis 8 (LCA8). Identifiers: Orphanet 65, MedGen C3151202, MONDO:0013453, OMIM 613835.

Submission:

Labcorp Genetics (formerly Invitae), Labcorp
Classification: Uncertain significance for Leber congenital amaurosis 8; Retinitis pigmentosa 12. Last evaluated: 2023-11-06. Review status: criteria provided, single submitter. Criteria: Invitae Variant Classification Sherloc (09022015). Collection method: clinical testing. Allele origin: germline.
Comment: This sequence change replaces alanine, which is neutral and non-polar, with aspartic acid, which is acidic and polar, at codon 138 of the CRB1 protein (p.Ala138Asp). This variant is not present in population databases (gnomAD no frequency). This variant has not been reported in the literature in individuals affected with CRB1-related conditions. Algorithms developed to predict the effect of missense changes on protein structure and function output the following: SIFT: "Not Available"; PolyPhen-2: "Benign"; Align-GVGD: "Not Available". The aspartic acid amino acid residue is found in multiple mammalian species, which suggests that this missense change does not adversely affect protein function. In summary, the available evidence is currently insufficient to determine the role of this variant in disease. Therefore, it has been classified as a Variant of Uncertain Significance.

NM_201253.3(CRB1):c.413C>A (p.Ala138Asp)

Gene: CRB1 (crumbs cell polarity complex component 1; plus strand). Cytogenetic location: 1q31.3.
Variant type: single nucleotide variant.
Coding change: c.413C>A on transcript NM_201253.3 (MANE Select); coding-DNA position 413, C replaced by A.
Protein change: p.Ala138Asp; replaces alanine 138 with aspartic acid.
Molecular consequence: missense variant. On other transcripts: non-coding transcript variant (2).
Genome position (GRCh38, 1-based): chr1:197,328,764, C>A. VCF-style: chr1-197328764-C-A. GRCh37 (hg19) VCF-style: chr1-197297894-C-A.
Other names: c.413C>A, p.Ala138Asp (NM_001193640.2, NM_001257966.2); c.206C>A, p.Ala69Asp (NM_001257965.2); short protein forms A138D, A69D.
Identifiers: ClinVar variation 2949768 (VCV002949768.3), dbSNP rs1658677191, ClinGen allele CA344085715.